The following is an entry in ClinVar:

NM_004211.5(SLC6A5):c.389G>C (p.Gly130Ala)

Gene: SLC6A5 (solute carrier family 6 member 5; plus strand). Cytogenetic location: 11p15.1.
Variant type: single nucleotide variant.
Coding change: c.389G>C on transcript NM_004211.5 (MANE Select); coding-DNA position 389, G replaced by C.
Protein change: p.Gly130Ala; replaces glycine 130 with alanine.
Molecular consequence: missense variant. On other transcripts: 5 prime UTR variant (1).
Genome position (GRCh38, 1-based): chr11:20,601,514, G>C. VCF-style: chr11-20601514-G-C. GRCh37 (hg19) VCF-style: chr11-20623060-G-C.
Other names: c.-175G>C (NM_001318369.2); c.389G>C (NM_004211.3); short protein forms G130A.
Identifiers: ClinVar variation 1414030 (VCV001414030.5), dbSNP rs747760232, ClinGen allele CA5921068.

ClinVar aggregate classification (germline): Uncertain significance. Review status: criteria provided, multiple submitters, no conflicts (2 of 4 stars). 2 submissions from 2 submitters: Uncertain significance (2). Last evaluated 2025-10-22.

Conditions:
Inborn genetic diseases. Identifiers: MedGen C0950123, MeSH D030342.
Hyperekplexia 3 (HKPX3). Also called: HYPEREKPLEXIA 3, AUTOSOMAL RECESSIVE; HYPEREKPLEXIA 3, AUTOSOMAL DOMINANT. Identifiers: Orphanet 3197, MedGen C3553288, MONDO:0013827, OMIM 614618.

Allele frequency attached by ClinVar (database versions not stated): gnomAD exomes 0.00003 and 0.00004; ExAC 0.00004; TOPMed 0.00004; gnomAD 0.00006.
gnomAD v4.1: 53 of 1,614,120 alleles (0.0033%); highest among the groups gnomAD compares: Non-Finnish European, 0.0042%; no homozygotes.

Submissions (2):

Labcorp Genetics (formerly Invitae), Labcorp
Classification: Uncertain significance for Hyperekplexia 3. Last evaluated: 2025-10-22. Review status: criteria provided, single submitter. Criteria: Invitae Variant Classification Sherloc (09022015). Collection method: clinical testing. Allele origin: germline.
Comment: This sequence change replaces glycine, which is neutral and non-polar, with alanine, which is neutral and non-polar, at codon 130 of the SLC6A5 protein (p.Gly130Ala). This variant is present in population databases (rs747760232, gnomAD 0.006%). This variant has not been reported in the literature in individuals affected with SLC6A5-related conditions. ClinVar contains an entry for this variant (Variation ID: 1414030). Invitae Evidence Modeling of protein sequence and biophysical properties (such as structural, functional, and spatial information, amino acid conservation, physicochemical variation, residue mobility, and thermodynamic stability) indicates that this missense variant is not expected to disrupt SLC6A5 protein function with a negative predictive value of 95%. In summary, the available evidence is currently insufficient to determine the role of this variant in disease. Therefore, it has been classified as a Variant of Uncertain Significance.

Ambry Genetics
Classification: Uncertain significance for Inborn genetic diseases. Last evaluated: 2025-08-09. Review status: criteria provided, single submitter. Criteria: Ambry Variant Classification Scheme 2023. Collection method: clinical testing. Allele origin: germline.